The following is an entry in ClinVar:

NM_000090.4(COL3A1):c.2824-5A>G

Gene: COL3A1 (collagen type III alpha 1 chain; plus strand). Cytogenetic location: 2q32.2.
Variant type: single nucleotide variant.
Coding change: c.2824-5A>G on transcript NM_000090.4 (MANE Select); 5 bases into the intron before coding-DNA position 2824, A replaced by G.
Molecular consequence: intron variant.
Genome position (GRCh38, 1-based): chr2:189,004,252, A>G. VCF-style: chr2-189004252-A-G. GRCh37 (hg19) VCF-style: chr2-189868978-A-G.
Identifiers: ClinVar variation 513300 (VCV000513300.8), dbSNP rs373994011, ClinGen allele CA658796122.

ClinVar aggregate classification (germline): Conflicting classifications of pathogenicity. Review status: criteria provided, conflicting classifications (1 of 4 stars). 4 submissions from 4 submitters: Uncertain significance (1); Likely benign (3). Last evaluated 2026-02-06.

Conditions:
Familial thoracic aortic aneurysm and aortic dissection (TAAD). Also called: Thoracic aortic aneurysms and dissections. Identifiers: Orphanet 91387, MedGen C4707243, MONDO:0019625.
Ehlers-Danlos syndrome, type 4 (EDSVASC). Also called: Ehlers-Danlos syndrome vascular type; Ehlers Danlos syndrome, ecchymotic type; Ehlers Danlos syndrome, arterial type; Ehlers Danlos syndrome, Sack-Barabas type; Ehlers-Danlos Syndrome Type IV. Identifiers: Orphanet 286, MedGen C0268338, MONDO:0017314, OMIM 130050.

Allele frequency attached by ClinVar (database versions not stated): TOPMed 0.00001.
gnomAD v4.1: 1 of 1,601,406 alleles (0.000062%); highest among the groups gnomAD compares: Non-Finnish European, 0.000085%; no homozygotes.

Submissions (4):

Ambry Genetics
Classification: Uncertain significance for Familial thoracic aortic aneurysm and aortic dissection. Last evaluated: 2026-02-06. Review status: criteria provided, single submitter. Criteria: Ambry Variant Classification Scheme 2023. Collection method: clinical testing. Allele origin: germline.
Comment: The c.2824-5A>G intronic variant results from an A to G substitution 5 nucleotides upstream from coding exon 40 in the COL3A1 gene. This nucleotide position is not well conserved in available vertebrate species. In silico splice site analysis predicts that this alteration will not have any significant effect on splicing. Based on the available evidence, the clinical significance of this variant remains unclear.

Labcorp Genetics (formerly Invitae), Labcorp
Classification: Likely benign for Ehlers-Danlos syndrome, type 4. Last evaluated: 2025-09-07. Review status: criteria provided, single submitter. Criteria: Invitae Variant Classification Sherloc (09022015). Collection method: clinical testing. Allele origin: germline.

Color Diagnostics, LLC DBA Color Health
Classification: Likely benign for Familial thoracic aortic aneurysm and aortic dissection. Last evaluated: 2025-06-09. Review status: criteria provided, single submitter. Criteria: ACMG Guidelines, 2015. Collection method: clinical testing. Allele origin: germline.

GeneDx
Classification: Likely benign. Last evaluated: 2017-11-13. Review status: criteria provided, single submitter. Criteria: GeneDx Variant Classification (06012015). Collection method: clinical testing. Allele origin: germline. Affected: yes.
Comment: This variant is considered likely benign or benign based on one or more of the following criteria: it is a conservative change, it occurs at a poorly conserved position in the protein, it is predicted to be benign by multiple in silico algorithms, and/or has population frequency not consistent with disease.